The following is an entry in ClinVar:

NM_147127.5(EVC2):c.3488C>T (p.Thr1163Ile)

Gene: EVC2 (EvC ciliary complex subunit 2; minus strand). Cytogenetic location: 4p16.2.
Variant type: single nucleotide variant.
Coding change: c.3488C>T on transcript NM_147127.5 (MANE Select); coding-DNA position 3488, C replaced by T.
Protein change: p.Thr1163Ile; replaces threonine 1163 with isoleucine.
Molecular consequence: missense variant.
Genome position (GRCh38, 1-based): chr4:5,568,513, G>A on the plus strand (C>T on the coding strand, the complement: EVC2 is on the minus strand). VCF-style: chr4-5568513-G-A. GRCh37 (hg19) VCF-style: chr4-5570240-G-A.
Other names: c.3488C>T (NM_147127.4); c.3248C>T, p.Thr1083Ile (NM_001166136.2); short protein forms T1163I, T1083I.
Identifiers: ClinVar variation 2141991 (VCV002141991.4), dbSNP rs774164481, ClinGen allele CA2834303.

ClinVar aggregate classification (germline): Uncertain significance. Review status: criteria provided, multiple submitters, no conflicts (2 of 4 stars). 2 submissions from 2 submitters: Uncertain significance (2). Last evaluated 2025-04-28.

Conditions:
Curry-Hall syndrome (WAD). Also called: WEYERS ACRODENTAL DYSOSTOSIS. Identifiers: Orphanet 952, MedGen C0457013, MONDO:0008673, OMIM 193530.
Ellis-van Creveld syndrome (EVC). Also called: MESOECTODERMAL DYSPLASIA; EVC-Related Ellis-van Creveld Syndrome; EVC2-Related Ellis-van Creveld Syndrome; Chondroectodermal dysplasia. Identifiers: Orphanet 289, MedGen C0013903, MONDO:0009162, OMIM 225500.

Allele frequency attached by ClinVar (database versions not stated): ExAC 0.00001; gnomAD 0.00001; TOPMed 0.00001.

Submissions (2):

Labcorp Genetics (formerly Invitae), Labcorp
Classification: Uncertain significance for Curry-Hall syndrome; Ellis-van Creveld syndrome. Last evaluated: 2025-04-28. Review status: criteria provided, single submitter. Criteria: Invitae Variant Classification Sherloc (09022015). Collection method: clinical testing. Allele origin: germline.
Comment: This sequence change replaces threonine, which is neutral and polar, with isoleucine, which is neutral and non-polar, at codon 1163 of the EVC2 protein (p.Thr1163Ile). The frequency data for this variant in the population databases is considered unreliable, as metrics indicate poor data quality at this position in the gnomAD database. This variant has not been reported in the literature in individuals affected with EVC2-related conditions. ClinVar contains an entry for this variant (Variation ID: 2141991). An algorithm developed to predict the effect of missense changes on protein structure and function (PolyPhen-2) suggests that this variant is likely to be tolerated. In summary, the available evidence is currently insufficient to determine the role of this variant in disease. Therefore, it has been classified as a Variant of Uncertain Significance.

GeneDx
Classification: Uncertain significance. Last evaluated: 2022-07-29. Review status: criteria provided, single submitter. Criteria: GeneDx Variant Classification Process June 2021. Collection method: clinical testing. Allele origin: germline. Affected: yes.
Comment: Not observed at significant frequency in large population cohorts (gnomAD); In silico analysis supports that this missense variant does not alter protein structure/function; Has not been previously published as pathogenic or benign to our knowledge